The following is an entry in ClinVar:

NM_153610.5(CMYA5):c.7219C>T (p.Pro2407Ser)

Gene: CMYA5 (cardiomyopathy associated 5; plus strand). Cytogenetic location: 5q14.1.
Variant type: single nucleotide variant.
Coding change: c.7219C>T on transcript NM_153610.5 (MANE Select); coding-DNA position 7219, C replaced by T.
Protein change: p.Pro2407Ser; replaces proline 2407 with serine.
Molecular consequence: missense variant.
Genome position (GRCh38, 1-based): chr5:79,735,984, C>T. VCF-style: chr5-79735984-C-T. GRCh37 (hg19) VCF-style: chr5-79031807-C-T.
Other names: short protein forms P2407S.
Identifiers: ClinVar variation 2655561 (VCV002655561.24), dbSNP rs374325994, ClinGen allele CA3322430.
Genomic context (GRCh38, chr5:79,735,984, plus strand): 5'-CAGCCAAAATCAGCTTCCTCCAACTTTGCAAGTAAAAATATCACAAAGGAATCAGAGAAA[C>T]CAGAGTCAATTATTTTGCCAGTAGAAGAATCAAAAGGCAGTTTAATTGATTTCAGTGAAG-3'
Protein context (NP_705838.3, residues 2397-2417): SKNITKESEK[Pro2407Ser]ESIILPVEES

ClinVar aggregate classification (germline): Uncertain significance (1 of 4 stars; one submission).

Allele frequency attached by ClinVar (database versions not stated): gnomAD exomes below 0.00001; ESP Exome Variant Server 0.00008.
gnomAD v4.1: 5 of 1,613,188 alleles (0.00031%); highest among the groups gnomAD compares: South Asian, 0.0055%; no homozygotes.

Submission:

CeGaT Center for Human Genetics Tuebingen
Classification: Uncertain significance. Last evaluated: 2023-05-01. Review status: criteria provided, single submitter. Criteria: CeGaT Center For Human Genetics Tuebingen Variant Classification Criteria Version 2. Collection method: clinical testing. Allele origin: germline. Affected: yes. Observed: 1 variant allele.
Comment: CMYA5: PM2, BP4